The following is an entry in ClinVar:

ClinVar aggregate classification (germline): Conflicting classifications of pathogenicity. Review status: criteria provided, conflicting classifications (1 of 4 stars). 6 submissions from 6 submitters: Uncertain significance (5); Likely benign (1). Last evaluated 2025-12-02.

Conditions:
Fanconi anemia complementation group O. Also called: RAD51C-Related Fanconi Anemia. Identifiers: Orphanet 84, MedGen C3150653, MONDO:0013248, OMIM 613390.
Hereditary cancer-predisposing syndrome. Also called: Hereditary neoplastic syndrome; Tumor predisposition; Hereditary Cancer Syndrome; Neoplastic Syndromes, Hereditary. Identifiers: Orphanet 140162, MedGen C0027672, MeSH D009386, MONDO:0015356.

Allele frequency attached by ClinVar (database versions not stated): gnomAD exomes below 0.00001; TOPMed 0.00001.
gnomAD v4.1: 1 of 1,610,394 alleles (0.000062%); highest among the groups gnomAD compares: Non-Finnish European, 0.000085%; no homozygotes.

Submissions (6):

Labcorp Genetics (formerly Invitae), Labcorp
Classification: Uncertain significance for Fanconi anemia complementation group O. Last evaluated: 2025-12-02. Review status: criteria provided, single submitter. Criteria: Invitae Variant Classification Sherloc (09022015). Collection method: clinical testing. Allele origin: germline.
Comment: This sequence change replaces histidine, which is basic and polar, with arginine, which is basic and polar, at codon 250 of the RAD51C protein (p.His250Arg). This variant is present in population databases (no rsID available, gnomAD 0.0009%). This variant has not been reported in the literature in individuals affected with RAD51C-related conditions. ClinVar contains an entry for this variant (Variation ID: 409856). Invitae Evidence Modeling of protein sequence and biophysical properties (such as structural, functional, and spatial information, amino acid conservation, physicochemical variation, residue mobility, and thermodynamic stability) indicates that this missense variant is not expected to disrupt RAD51C protein function with a negative predictive value of 80%. In summary, the available evidence is currently insufficient to determine the role of this variant in disease. Therefore, it has been classified as a Variant of Uncertain Significance.

Ambry Genetics
Classification: Likely benign for Hereditary cancer-predisposing syndrome. Last evaluated: 2025-10-09. Review status: criteria provided, single submitter. Criteria: Ambry Variant Classification Scheme 2023. Collection method: clinical testing. Allele origin: germline.

Dasa
Classification: Uncertain significance. Last evaluated: 2025-07-04. Review status: criteria provided, single submitter. Criteria: DASA Assertion Criteria. Collection method: clinical testing. Allele origin: germline.
Comment: NM_058216.3(RAD51C):c.749A>G (p.His250Arg) is a missense variant that results in the substitution of histidine with arginine. This variant is rare in population databases. Computational prediction algorithms are consistent with a benign effect. The currently available literature and clinical evidence are not sufficient to establish a definitive association between this variant and the reported condition. Therefore, this variant is classified as a variant of uncertain significance.

Women's Health and Genetics/Laboratory Corporation of America, LabCorp
Classification: Uncertain significance. Last evaluated: 2025-04-15. Review status: criteria provided, single submitter. Criteria: LabCorp Variant Classification Summary - May 2015. Collection method: clinical testing. Allele origin: germline.
Comment: Variant summary: RAD51C c.749A>G (p.His250Arg) results in a non-conservative amino acid change in the encoded protein sequence. Three of five in-silico tools predict a benign effect of the variant on protein function. The variant allele was found at a frequency of 4e-06 in 251448 control chromosomes. The available data on variant occurrences in the general population are insufficient to allow any conclusion about variant significance. To our knowledge, no occurrence of c.749A>G in individuals affected with Fanconi Anemia Complementation Group O and no experimental evidence demonstrating its impact on protein function have been reported. ClinVar contains an entry for this variant (Variation ID: 409856). Based on the evidence outlined above, the variant was classified as uncertain significance.

Color Diagnostics, LLC DBA Color Health
Classification: Uncertain significance for Hereditary cancer-predisposing syndrome. Last evaluated: 2024-06-04. Review status: criteria provided, single submitter. Criteria: ACMG Guidelines, 2015. Collection method: clinical testing. Allele origin: germline.
Comment: This missense variant replaces histidine with arginine at codon 250 of the RAD51C protein. Computational prediction suggests that this variant may not impact protein structure and function. To our knowledge, functional studies have not been reported for this variant. This variant has not been reported in individuals affected with hereditary cancer in the literature. In a large breast cancer case-control meta-analysis, this variant was absent in 60466 breast cancer cases and identified in 1/53460 controls (PMID: 33471991). This variant has been identified in 1/251448 chromosomes in the general population by the Genome Aggregation Database (gnomAD). The available evidence is insufficient to determine the role of this variant in disease conclusively. Therefore, this variant is classified as a Variant of Uncertain Significance.

GeneDx
Classification: Uncertain significance. Last evaluated: 2023-11-15. Review status: criteria provided, single submitter. Criteria: GeneDx Variant Classification Process June 2021. Collection method: clinical testing. Allele origin: germline. Affected: yes.
Comment: Not observed at significant frequency in large population cohorts (gnomAD); In silico analysis supports that this missense variant has a deleterious effect on protein structure/function; Has not been previously published as pathogenic or benign to our knowledge; This variant is associated with the following publications: (PMID: 14704354)

Literature cited by the submitters: PubMed 33471991 (cited by Color Diagnostics, LLC DBA Color Health).

NM_058216.3(RAD51C):c.749A>G (p.His250Arg)

Gene: RAD51C (RAD51 paralog C; plus strand). Cytogenetic location: 17q22.
Variant type: single nucleotide variant.
Coding change: c.749A>G on transcript NM_058216.3 (MANE Select); coding-DNA position 749, A replaced by G.
Protein change: p.His250Arg; replaces histidine 250 with arginine.
Molecular consequence: missense variant. On other transcripts: non-coding transcript variant (1).
Genome position (GRCh38, 1-based): chr17:58,709,902, A>G. VCF-style: chr17-58709902-A-G. GRCh37 (hg19) VCF-style: chr17-56787263-A-G.
Other names: short protein forms H250R.
Identifiers: ClinVar variation 409856 (VCV000409856.24), dbSNP rs1060502597, ClinGen allele CA16615807.